The following is an entry in ClinVar:

ClinVar aggregate classification (germline): Uncertain significance (1 of 4 stars; one submission).

Conditions:
Neuronal ceroid lipofuscinosis 11. Also called: GRN-Related Neuronal Ceroid-Lipofuscinosis. Identifiers: Orphanet 314629, Orphanet 79262, MedGen C3539123, MONDO:0013866, OMIM 614706.
GRN-related frontotemporal lobar degeneration with Tdp43 inclusions (FTD2). Also called: DEMENTIA, HEREDITARY DYSPHASIC DISINHIBITION; FRONTOTEMPORAL LOBAR DEGENERATION WITH UBIQUITIN-POSITIVE INCLUSIONS; FTLD-TDP, GRN-RELATED; GRN Frontotemporal Dementia; FRONTOTEMPORAL DEMENTIA WITH TDP43 INCLUSIONS, GRN-RELATED. Identifiers: Orphanet 100070, Orphanet 282, MedGen C1843792, MONDO:0011842, OMIM 607485. Disease mechanism: loss of function.

Allele frequency attached by ClinVar (database versions not stated): gnomAD exomes below 0.00001.

Submission:

Labcorp Genetics (formerly Invitae), Labcorp
Classification: Uncertain significance for Neuronal ceroid lipofuscinosis 11; GRN-related frontotemporal lobar degeneration with Tdp43 inclusions. Last evaluated: 2022-08-09. Review status: criteria provided, single submitter. Criteria: Invitae Variant Classification Sherloc (09022015). Collection method: clinical testing. Allele origin: germline.
Comment: In summary, the available evidence is currently insufficient to determine the role of this variant in disease. Therefore, it has been classified as a Variant of Uncertain Significance. This variant disrupts the p.Trp7 amino acid residue in GRN. Other variant(s) that disrupt this residue have been observed in individuals with GRN-related conditions (PMID: 18245784, 29874572, 31262553), which suggests that this may be a clinically significant amino acid residue. Algorithms developed to predict the effect of missense changes on protein structure and function are either unavailable or do not agree on the potential impact of this missense change (SIFT: "Tolerated"; PolyPhen-2: "Possibly Damaging"; Align-GVGD: "Class C0"). This missense change has been observed in individual(s) with clinical features of behavioral variant frontotemporal dementia and/or frontotemporal dementia (PMID: 32843152; Invitae). This variant is not present in population databases (gnomAD no frequency). This sequence change replaces tryptophan, which is neutral and slightly polar, with glycine, which is neutral and non-polar, at codon 7 of the GRN protein (p.Trp7Gly).

Literature cited by the submitters: PubMed 18245784; PubMed 29874572; PubMed 31262553; PubMed 32843152.

NM_002087.4(GRN):c.19T>G (p.Trp7Gly)

Gene: GRN (granulin precursor; plus strand). Cytogenetic location: 17q21.31.
Variant type: single nucleotide variant.
Coding change: c.19T>G on transcript NM_002087.4 (MANE Select); coding-DNA position 19, T replaced by G.
Protein change: p.Trp7Gly; replaces tryptophan 7 with glycine.
Molecular consequence: missense variant.
Genome position (GRCh38, 1-based): chr17:44,349,183, T>G. VCF-style: chr17-44349183-T-G. GRCh37 (hg19) VCF-style: chr17-42426551-T-G.
Other names: short protein forms W7G.
Identifiers: ClinVar variation 2099089 (VCV002099089.4), dbSNP rs1555610861, ClinGen allele CA399759034.